The following is an entry in ClinVar:

ClinVar aggregate classification (germline): Uncertain significance (1 of 4 stars; one submission).

Allele frequency attached by ClinVar (database versions not stated): TOPMed below 0.00001; ExAC 0.00001.
gnomAD v4.1: 4 of 1,614,176 alleles (0.00025%); highest among the groups gnomAD compares: South Asian, 0.0011%; no homozygotes.

Submission:

Labcorp Genetics (formerly Invitae), Labcorp
Classification: Uncertain significance. Last evaluated: 2022-12-23. Review status: criteria provided, single submitter. Criteria: Invitae Variant Classification Sherloc (09022015). Collection method: clinical testing. Allele origin: germline.
Comment: In summary, the available evidence is currently insufficient to determine the role of this variant in disease. Therefore, it has been classified as a Variant of Uncertain Significance. Algorithms developed to predict the effect of missense changes on protein structure and function output the following: SIFT: "Tolerated"; PolyPhen-2: "Benign"; Align-GVGD: "Class C0". The valine amino acid residue is found in multiple mammalian species, which suggests that this missense change does not adversely affect protein function. This variant has not been reported in the literature in individuals affected with NIN-related conditions. This variant is present in population databases (rs758202509, gnomAD 0.003%). This sequence change replaces methionine, which is neutral and non-polar, with valine, which is neutral and non-polar, at codon 725 of the NIN protein (p.Met725Val).

NM_020921.4(NIN):c.2173A>G (p.Met725Val)

Gene: NIN (ninein; minus strand). Cytogenetic location: 14q22.1.
Variant type: single nucleotide variant.
Coding change: c.2173A>G on transcript NM_020921.4 (MANE Select); coding-DNA position 2173, A replaced by G.
Protein change: p.Met725Val; replaces methionine 725 with valine.
Molecular consequence: missense variant.
Genome position (GRCh38, 1-based): chr14:50,760,083, T>C on the plus strand (A>G on the coding strand, the complement: NIN is on the minus strand). VCF-style: chr14-50760083-T-C. GRCh37 (hg19) VCF-style: chr14-51226801-T-C.
Other names: c.2173A>G, p.Met725Val (NM_182946.2, NM_016350.5, NM_182944.3); short protein forms M725V.
Identifiers: ClinVar variation 2782740 (VCV002782740.3), dbSNP rs758202509, ClinGen allele CA7181990.
Genomic context (GRCh38, chr14:50,760,083, plus strand): 5'-GGCCTTCCCTCTCCCGCTCAAAGCTTGCTTGAGCCTGTGTCAGTCTAGCCTTGAGCTCCA[T>C]CTCATGTTGCAGCCTCAGCTTCTCCTGCAGGTGAGTCTTTTCCTCCTCAAGCTTCACTTG-3'
Protein context (NP_065972.4, residues 715-735): LQEKLRLQHE[Met725Val]ELKARLTQAQ